The following is an entry in ClinVar:

ClinVar aggregate classification (germline): Uncertain significance (1 of 4 stars; one submission).

Submission:

Women's Health and Genetics/Laboratory Corporation of America, LabCorp
Classification: Uncertain significance. Last evaluated: 2026-03-24. Review status: criteria provided, single submitter. Criteria: LabCorp Variant Classification Summary - May 2015. Collection method: clinical testing. Allele origin: germline.
Comment: Variant summary: PKD1 c.689G>A (p.Cys230Tyr) results in a non-conservative amino acid change in the encoded protein sequence. Algorithms developed to predict the effect of missense changes on protein structure and function all suggest that this variant is likely to be disruptive. The frequency data for this variant in gnomAD is considered unreliable, as metrics indicate poor data quality at this position. c.689G>A has been observed in individuals affected with Polycystic Kidney Disease 1 (Pandita_2019, Kimura_2023). These data do not allow any conclusion about variant significance. To our knowledge, no experimental evidence demonstrating an impact on protein function has been reported. The following publications have been ascertained in the context of this evaluation (PMID: 37509056, 30816285). No submitters have cited clinical-significance assessments for this variant to ClinVar. Based on the evidence outlined above, the variant was classified as uncertain significance.

Literature cited by the submitters: PubMed 37509056; PubMed 30816285.

NM_001009944.3(PKD1):c.689G>A (p.Cys230Tyr)

Gene: PKD1 (polycystin 1, transient receptor potential channel interacting; minus strand). Cytogenetic location: 16p13.3.
Variant type: single nucleotide variant.
Coding change: c.689G>A on transcript NM_001009944.3 (MANE Select); coding-DNA position 689, G replaced by A.
Protein change: p.Cys230Tyr; replaces cysteine 230 with tyrosine.
Molecular consequence: missense variant.
Genome position (GRCh38, 1-based): chr16:2,118,303, C>T on the plus strand (G>A on the coding strand, the complement: PKD1 is on the minus strand). VCF-style: chr16-2118303-C-T. GRCh37 (hg19) VCF-style: chr16-2168304-C-T.
Other names: c.689G>A, p.Cys230Tyr (NM_000296.4); short protein forms C230Y.
Identifiers: ClinVar variation 4847734 (VCV004847734.1).